The following is an entry in ClinVar:

NM_003900.5(SQSTM1):c.604C>T (p.Pro202Ser)

Gene: SQSTM1 (sequestosome 1; plus strand). Cytogenetic location: 5q35.3.
Variant type: single nucleotide variant.
Coding change: c.604C>T on transcript NM_003900.5 (MANE Select); coding-DNA position 604, C replaced by T.
Protein change: p.Pro202Ser; replaces proline 202 with serine.
Molecular consequence: missense variant.
Genome position (GRCh38, 1-based): chr5:179,824,254, C>T. VCF-style: chr5-179824254-C-T. GRCh37 (hg19) VCF-style: chr5-179251254-C-T.
Other names: c.352C>T, p.Pro118Ser (NM_001142298.2, NM_001142299.2); short protein forms P202S, P118S.
Identifiers: ClinVar variation 2107669 (VCV002107669.4), dbSNP rs1317926955, ClinGen allele CA362445758.

ClinVar aggregate classification (germline): Uncertain significance (1 of 4 stars; one submission).

Conditions:
Paget disease of bone 2, early-onset (PDB2). Also called: Paget disease of bone 2. Identifiers: MedGen C4085251, MONDO:0011183, OMIM 602080.
Frontotemporal dementia and/or amyotrophic lateral sclerosis 1 (FTDALS1). Also called: C9orf72 Frontotemporal Dementia and/or Amyotrophic Lateral Sclerosis; Frontotemporal dementia with motor neuron disease 1. Identifiers: Orphanet 275872, MedGen C5779877, MONDO:0007105, OMIM 105550.

Submission:

Labcorp Genetics (formerly Invitae), Labcorp
Classification: Uncertain significance for Paget disease of bone 2, early-onset; Frontotemporal dementia and/or amyotrophic lateral sclerosis 1. Last evaluated: 2022-06-08. Review status: criteria provided, single submitter. Criteria: Invitae Variant Classification Sherloc (09022015). Collection method: clinical testing. Allele origin: germline.
Comment: This sequence change replaces proline, which is neutral and non-polar, with serine, which is neutral and polar, at codon 202 of the SQSTM1 protein (p.Pro202Ser). In summary, the available evidence is currently insufficient to determine the role of this variant in disease. Therefore, it has been classified as a Variant of Uncertain Significance. Algorithms developed to predict the effect of missense changes on protein structure and function (SIFT, PolyPhen-2, Align-GVGD) all suggest that this variant is likely to be tolerated. This variant has not been reported in the literature in individuals affected with SQSTM1-related conditions. This variant is present in population databases (no rsID available, gnomAD 0.0009%).